The following is an entry in ClinVar:

NM_001130987.2(DYSF):c.4282C>T (p.Gln1428Ter)

Gene: DYSF (dysferlin; plus strand). Cytogenetic location: 2p13.2.
Variant type: single nucleotide variant.
Coding change: c.4282C>T on transcript NM_001130987.2 (MANE Select); coding-DNA position 4282, C replaced by T.
Protein change: p.Gln1428Ter; replaces glutamine 1428 with a stop codon.
Molecular consequence: nonsense.
Genome position (GRCh38, 1-based): chr2:71,612,701, C>T. VCF-style: chr2-71612701-C-T. GRCh37 (hg19) VCF-style: chr2-71839831-C-T.
Other names: NM_001130987.2(DYSF):c.4282C>T; p.Gln1428Ter; c.4231C>T, p.Gln1411Ter (NM_001130455.2, NM_001130983.2); c.4186C>T, p.Gln1396Ter (NM_001130976.2, NM_001130977.2); c.4228C>T, p.Gln1410Ter (NM_001130978.2, NM_003494.4); c.4321C>T, p.Gln1441Ter (NM_001130979.2); c.4279C>T, p.Gln1427Ter (NM_001130980.2, NM_001130981.2); c.4324C>T, p.Gln1442Ter (NM_001130982.2); and 2 more; short protein forms Q1410*, Q1428*, Q1396*, Q1397*, Q1427*, Q1441*, Q1411*, Q1442*.
Identifiers: ClinVar variation 285153 (VCV000285153.20), dbSNP rs769721856, ClinGen allele CA1706954.
Genomic context (GRCh38, chr2:71,612,701, plus strand): 5'-ATGCTGCCCAGGGAGGAGCTCTACTGCCCCCCCATCACCGTCAAGGTCATCGATAACCGC[C>T]AGTTTGGCCGCCGGCCTGTGGTGGGCCAGTGTACCATCCGCTCCCTGGAGAGCTTCCTGT-3'

ClinVar aggregate classification (germline): Pathogenic. Review status: reviewed by expert panel (3 of 4 stars). 7 submissions from 7 submitters: Pathogenic (1). 6 of the submissions do not count toward it. Last evaluated 2025-09-30.

Conditions:
Autosomal recessive limb-girdle muscular dystrophy. Identifiers: Orphanet 102015, MedGen C2931907, MONDO:0015152.
Miyoshi muscular dystrophy 1 (MMD1). Identifiers: Orphanet 45448, MedGen C4551973, MONDO:0024545, OMIM 254130.
Autosomal recessive limb-girdle muscular dystrophy type 2B (LGMDR2). Also called: MUSCULAR DYSTROPHY, LIMB-GIRDLE, TYPE 3; Limb-Girdle Muscular Dystrophy Type 2B (LGMD2B); Limb-girdle muscular dystrophy, type 2B; MUSCULAR DYSTROPHY, LIMB-GIRDLE, AUTOSOMAL RECESSIVE 2. Identifiers: Orphanet 268, MedGen C1850889, MONDO:0009676, OMIM 253601.
Distal myopathy with anterior tibial onset. Identifiers: Orphanet 178400, MedGen C1847532, MONDO:0011721, OMIM 606768.
Neuromuscular disease caused by qualitative or quantitative defects of dysferlin. Also called: Dysferlinopathy; Qualitative or quantitative defects of dysferlin. Identifiers: Orphanet 207073, MedGen C2931687, MONDO:0016145.

Allele frequency attached by ClinVar (database versions not stated): gnomAD exomes below 0.00001 and 0.00001; TOPMed below 0.00001; ExAC 0.00001; gnomAD 0.00001.
gnomAD v4.1: 6 of 1,614,082 alleles (0.00037%); highest among the groups gnomAD compares: Admixed American, 0.0083%; no homozygotes.

Submissions (7):

ClinGen Limb Girdle Muscular Dystrophy Variant Curation Expert Panel, ClinGen
Classification: Pathogenic for Autosomal recessive limb-girdle muscular dystrophy. Last evaluated: 2025-09-30. Review status: reviewed by expert panel. Criteria: ClinGen LGMD VCEP ACMG Specifications DYSF V2.0.0. Collection method: curation. Allele origin: germline. Inheritance: Autosomal recessive inheritance.
Comment: The NM_003494.4: c.4228C>T p.(Gln1410Ter) variant in DYSF, which is also known as NM_001130987.2: c.4282C>T (p.Gln1428Ter), is a nonsense variant predicted to introduce a premature stop codon in exon 39/55, leading to nonsense mediated decay in a gene in which loss of function is an established disease mechanism (PVS1). This variant has been observed in four individuals with features of LGMD from two families (PMID: 35047756, 34624274). In a consanguineous family from Jordan, it was identified in a homozygous state in two affected siblings (PMID: 35047756; PP1). In the affected child of one of the homozygous individuals, it was also identified in unconfirmed phase with a pathogenic variant (NM_003494.4: c.4022T>C p.(Leu1341Pro), 0.5 pts; PM3_Supporting). At least one patient with this variant and a second presumed diagnostic DYSF allele displayed progressive proximal muscle weakness or had a clinical diagnosis of LGMD (PMID: 35047756, 34624274; PP4). The filtering allele frequency for this variant is 0.0001752 in gnomAD v4.1.0 (the upper bound of the 95% confidence interval of 5/60012 Admixed American alleles), which is higher than the VCEP threshold of 0.0001 for PM2_Supporting (criterion not met). In summary, this variant meets the criteria to be classified as Pathogenic for autosomal recessive limb-girdle muscular dystrophy based on the ACMG/AMP criteria applied, as specified by the ClinGen LGMD VCEP (LGMD VCEP specifications version 2.0.0; 09/30/2025): PVS1, PP1, PM3_Supporting, PP4.

Labcorp Genetics (formerly Invitae), Labcorp
Classification: Pathogenic for Neuromuscular disease caused by qualitative or quantitative defects of dysferlin. Last evaluated: 2025-12-18. Review status: criteria provided, single submitter. Criteria: Invitae Variant Classification Sherloc (09022015). Collection method: clinical testing. Allele origin: germline. Not counted in ClinVar's aggregate classification.
Comment: This sequence change creates a premature translational stop signal (p.Gln1410*) in the DYSF gene. It is expected to result in an absent or disrupted protein product. Loss-of-function variants in DYSF are known to be pathogenic (PMID: 17698709, 20301480). This variant is present in population databases (rs769721856, gnomAD 0.01%). This variant has not been reported in the literature in individuals affected with DYSF-related conditions. ClinVar contains an entry for this variant (Variation ID: 285153). For these reasons, this variant has been classified as Pathogenic.

Natera, Inc.
Classification: Pathogenic for Limb-girdle muscular dystrophy type 2B. Last evaluated: 2025-07-16. Review status: criteria provided, single submitter. Criteria: Natera Variant Classification Schema (03/2026). Collection method: clinical testing. Allele origin: germline. Not counted in ClinVar's aggregate classification.
Comment: The c.4228C>T variant in DYSF is a nonsense variant predicted to introduce a stop codon at amino acid 1410. This variant is expected to result in nonsense mediated decay, truncation, or a dysfunctional protein product. This variant is rare in the general population with a frequency below the threshold expected for the associated phenotype(s). This variant has been observed in one or more individuals affected with the associated recessive disease, as either homozygous or compound heterozygous with a second variant (PMID: 35047756, 34624274). Given the available evidence, this variant is classified as Pathogenic.

Fulgent Genetics
Classification: Pathogenic for Autosomal recessive limb-girdle muscular dystrophy type 2B; Miyoshi muscular dystrophy 1; Distal myopathy with anterior tibial onset. Last evaluated: 2024-02-12. Review status: criteria provided, single submitter. Criteria: ACMG Guidelines, 2015. Collection method: clinical testing. Allele origin: germline. Not counted in ClinVar's aggregate classification.

Revvity Omics, Revvity
Classification: Pathogenic. Last evaluated: 2020-07-27. Review status: criteria provided, single submitter. Criteria: ACMG Guidelines, 2015. Collection method: clinical testing. Allele origin: germline. Not counted in ClinVar's aggregate classification.

Eurofins Ntd Llc (ga)
Classification: Pathogenic. Last evaluated: 2015-12-07. Review status: criteria provided, single submitter. Criteria: EGL Classification Definitions 2015. Collection method: clinical testing. Allele origin: germline. Observed: 1 variant allele, 1 heterozygote. Not counted in ClinVar's aggregate classification.

Counsyl
Classification: Likely pathogenic for Autosomal recessive limb-girdle muscular dystrophy type 2B. Last evaluated: 2017-03-08. Review status: no assertion criteria provided. Collection method: clinical testing. Allele origin: unknown. Not counted in ClinVar's aggregate classification.

Literature cited by the submitters: PubMed 17698709 (cited by Labcorp Genetics (formerly Invitae), Labcorp); PubMed 20301480 (cited by Labcorp Genetics (formerly Invitae), Labcorp); PubMed 35047756 (cited by Natera, Inc.); PubMed 34624274 (cited by Natera, Inc.).